The following is an entry in ClinVar:

NM_020549.5(CHAT):c.1594G>A (p.Asp532Asn)

Gene: CHAT (choline O-acetyltransferase; plus strand). Cytogenetic location: 10q11.23.
Variant type: single nucleotide variant.
Coding change: c.1594G>A on transcript NM_020549.5 (MANE Select); coding-DNA position 1594, G replaced by A.
Protein change: p.Asp532Asn; replaces aspartic acid 532 with asparagine.
Molecular consequence: missense variant.
Genome position (GRCh38, 1-based): chr10:49,651,966, G>A. VCF-style: chr10-49651966-G-A. GRCh37 (hg19) VCF-style: chr10-50860012-G-A.
Other names: c.1240G>A, p.Asp414Asn (NM_001142929.2, NM_001142934.2, NM_020984.4 and 2 more transcripts); c.1348G>A, p.Asp450Asn (NM_001142933.2); short protein forms D414N, D450N, D532N.
Identifiers: ClinVar variation 4845276 (VCV004845276.1).

ClinVar aggregate classification (germline): Uncertain significance (1 of 4 stars; one submission).

Conditions:
Familial infantile myasthenia (CMS6). Also called: MYASTHENIC SYNDROME, PRESYNAPTIC, CONGENITAL, ASSOCIATED WITH EPISODIC APNEA; MYASTHENIC SYNDROME, CONGENITAL, 6, PRESYNAPTIC; Congenital myasthenic syndrome type 6. Identifiers: Orphanet 590, MedGen C0393929, MONDO:0009689, OMIM 254210.

Submission:

Pediatric Neurology, Ankara Etlik City Hospital, Health Sciences University
Classification: Uncertain significance for Familial infantile myasthenia. Last evaluated: 2026-04-14. Review status: criteria provided, single submitter. Criteria: ACMG Guidelines, 2015. Collection method: clinical testing. Allele origin: germline. Inheritance: Autosomal recessive inheritance. Affected: yes. Observed: 2 variant alleles, 2 homozygotes.
Comment: PM2 PP3